The following is an entry in ClinVar:

NM_000827.4(GRIA1):c.1418C>T (p.Ala473Val)

Gene: GRIA1 (glutamate ionotropic receptor AMPA type subunit 1; plus strand). Cytogenetic location: 5q33.2.
Variant type: single nucleotide variant.
Coding change: c.1418C>T on transcript NM_000827.4 (MANE Select); coding-DNA position 1418, C replaced by T.
Protein change: p.Ala473Val; replaces alanine 473 with valine.
Molecular consequence: missense variant. On other transcripts: non-coding transcript variant (2).
Genome position (GRCh38, 1-based): chr5:153,699,039, C>T. VCF-style: chr5-153699039-C-T. GRCh37 (hg19) VCF-style: chr5-153078599-C-T.
Other names: c.1418C>T, p.Ala473Val (NM_001114183.2); c.1178C>T, p.Ala393Val (NM_001258019.2); c.1133C>T, p.Ala378Val (NM_001258020.2); c.1448C>T, p.Ala483Val (NM_001258021.2, NM_001258022.2); c.1211C>T, p.Ala404Val (NM_001258023.1, NM_001364167.2); c.1250C>T, p.Ala417Val (NM_001364165.2); c.1445C>T, p.Ala482Val (NM_001364166.2); short protein forms A378V, A393V, A404V, A417V, A473V, A482V, A483V.
Identifiers: ClinVar variation 3359625 (VCV003359625.2).

ClinVar aggregate classification (germline): Uncertain significance. Review status: criteria provided, multiple submitters, no conflicts (2 of 4 stars). 2 submissions from 2 submitters: Uncertain significance (2). Last evaluated 2025-10-19.

gnomAD v4.1: 1 of 1,613,858 alleles (0.000062%); highest among the groups gnomAD compares: Non-Finnish European, 0.000085%; no homozygotes.

Submissions (2):

Labcorp Genetics (formerly Invitae), Labcorp
Classification: Uncertain significance. Last evaluated: 2025-10-19. Review status: criteria provided, single submitter. Criteria: Invitae Variant Classification Sherloc (09022015). Collection method: clinical testing. Allele origin: germline.
Comment: This sequence change replaces alanine, which is neutral and non-polar, with valine, which is neutral and non-polar, at codon 473 of the GRIA1 protein (p.Ala473Val). This variant is not present in population databases (gnomAD no frequency). This variant has not been reported in the literature in individuals affected with GRIA1-related conditions. ClinVar contains an entry for this variant (Variation ID: 3359625). Invitae Evidence Modeling of protein sequence and biophysical properties (such as structural, functional, and spatial information, amino acid conservation, physicochemical variation, residue mobility, and thermodynamic stability) indicates that this missense variant is not expected to disrupt GRIA1 protein function with a negative predictive value of 80%. Algorithms developed to predict the effect of sequence changes on RNA splicing suggest that this variant may create or strengthen a splice site. In summary, the available evidence is currently insufficient to determine the role of this variant in disease. Therefore, it has been classified as a Variant of Uncertain Significance.

GeneDx
Classification: Uncertain significance. Last evaluated: 2023-06-06. Review status: criteria provided, single submitter. Criteria: GeneDx Variant Classification Process June 2021. Collection method: clinical testing. Allele origin: germline. Affected: yes.
Comment: Not observed at significant frequency in large population cohorts (gnomAD); In silico analysis suggests this variant may impact gene splicing. In the absence of RNA/functional studies, the actual effect of this sequence change is unknown.; In silico analysis supports that this missense variant does not alter protein structure/function; Has not been previously published as pathogenic or benign to our knowledge